The following is an entry in ClinVar:

ClinVar aggregate classification (germline): Benign (1 of 4 stars; one submission).

Conditions:
Pyridoxine-dependent epilepsy (EPEO4). Also called: Pyridoxine-Dependent Epilepsy - ALDH7A1; PYRIDOXINE DEPENDENCY WITH SEIZURES; EPILEPSY, EARLY-ONSET, 4, VITAMIN B6-DEPENDENT; Pyridoxine-Dependent Seizures. Identifiers: Orphanet 3006, MedGen C1849508, MONDO:0009945, OMIM 266100. Disease mechanism: loss of function.

Allele frequency attached by ClinVar (database versions not stated): TOPMed 0.00800; 1000 Genomes Project 0.00938; 1000 Genomes Project 30x 0.01031; gnomAD 0.00777 and 0.00725.

Submission:

Illumina Laboratory Services, Illumina
Classification: Benign for Pyridoxine-dependent epilepsy. Last evaluated: 2018-01-13. Review status: criteria provided, single submitter. Criteria: ICSL Variant Classification Criteria 13 December 2019. Collection method: clinical testing. Allele origin: germline.
Comment: This variant was observed in the ICSL laboratory as part of a predisposition screen in an ostensibly healthy population. It had not been previously curated by ICSL or reported in the Human Gene Mutation Database (HGMD: prior to June 1st, 2018), and was therefore a candidate for classification through an automated scoring system. Utilizing variant allele frequency, disease prevalence and penetrance estimates, and inheritance mode, an automated score was calculated to assess if this variant is too frequent to cause the disease. Based on the score and internal cut-off values, a variant classified as benign is not then subjected to further curation. The score for this variant resulted in a classification of benign for this disease.

NM_001182.5(ALDH7A1):c.*2423C>T

Gene: ALDH7A1 (aldehyde dehydrogenase 7 family member A1; minus strand). Cytogenetic location: 5q23.2.
Variant type: single nucleotide variant.
Coding change: c.*2423C>T on transcript NM_001182.5 (MANE Select); 2423 bases downstream of the stop codon, C replaced by T.
Molecular consequence: 3 prime UTR variant.
Genome position (GRCh38, 1-based): chr5:126,542,542, G>A on the plus strand (C>T on the coding strand, the complement: ALDH7A1 is on the minus strand). VCF-style: chr5-126542542-G-A. GRCh37 (hg19) VCF-style: chr5-125878234-G-A.
Other names: c.*2423C>T (NM_001201377.2, NM_001202404.2).
Identifiers: ClinVar variation 350534 (VCV000350534.5), dbSNP rs114575585, ClinGen allele CA10622380.
Genomic context (GRCh38, chr5:126,542,542, plus strand): 5'-AGTATGACCCAATCTTTACAAAAAAAAATAATAATCAGCTGGGCACAGTGGCATGCACCT[G>A]TAGTCCCAGCTACTGGGGAGCATGAGGTGGAAGGATAGATTGAGCCCAGGAGTTGGAGGC-3'